The following is an entry in ClinVar:

ClinVar aggregate classification (germline): Likely benign (1 of 4 stars; one submission).

Allele frequency attached by ClinVar (database versions not stated): gnomAD exomes below 0.00001; gnomAD 0.00001; TOPMed 0.00001.
gnomAD v4.1: 3 of 1,612,194 alleles (0.00019%); highest among the groups gnomAD compares: African/African-American, 0.0027%; no homozygotes.

Submission:

CeGaT Center for Human Genetics Tuebingen
Classification: Likely benign. Last evaluated: 2023-06-01. Review status: criteria provided, single submitter. Criteria: CeGaT Center For Human Genetics Tuebingen Variant Classification Criteria Version 2. Collection method: clinical testing. Allele origin: germline. Affected: yes. Observed: 1 variant allele.
Comment: DDX59: BP4, BP7

NM_001031725.6(DDX59):c.1482A>G (p.Gly494=)

Gene: DDX59 (DEAD-box helicase 59; minus strand). Cytogenetic location: 1q32.1.
Variant type: single nucleotide variant.
Coding change: c.1482A>G on transcript NM_001031725.6 (MANE Select); coding-DNA position 1482, A replaced by G.
Protein change: p.Gly494=; no amino-acid change (glycine 494 retained).
Molecular consequence: synonymous variant. On other transcripts: intron variant (2).
Genome position (GRCh38, 1-based): chr1:200,648,553, T>C on the plus strand (A>G on the coding strand, the complement: DDX59 is on the minus strand). VCF-style: chr1-200648553-T-C. GRCh37 (hg19) VCF-style: chr1-200617681-T-C.
Other names: c.1482A>G, p.Gly494= (NM_001320181.2, NM_001349799.3, NM_001349800.3 and 1 more transcripts); c.1140A>G, p.Gly380= (NM_001320182.1); c.1230A>G, p.Gly410= (NM_001349803.3); c.1063-4036A>G (NM_001349804.2); c.1467+521A>G (NM_001349801.3).
Identifiers: ClinVar variation 2639726 (VCV002639726.24), dbSNP rs1028392654, ClinGen allele CA35958248.
Genomic context (GRCh38, chr1:200,648,553, plus strand): 5'-GACACTGATCAAGTCTAGGCCTCGTCCCAAGACTCCTGTGCTCACTACAACTTCATAGTC[T>C]CCTTCAAGTAATCCCTTTCCAAAAAAGCAACAAAATTTATTATTCAGAATTTATTTTGTG-3'
Protein context (NP_001026895.2, residues 484-504): RKNILKGLLE[Gly494=]DYEVVVSTGV